The following is an entry in ClinVar:

NM_006767.4(LZTR1):c.-11G>A

Gene: LZTR1 (leucine zipper like post translational regulator 1; plus strand). Cytogenetic location: 22q11.21.
Variant type: single nucleotide variant.
Coding change: c.-11G>A on transcript NM_006767.4 (MANE Select); 11 bases upstream of the start codon, G replaced by A.
Molecular consequence: 5 prime UTR variant.
Genome position (GRCh38, 1-based): chr22:20,982,361, G>A. VCF-style: chr22-20982361-G-A. GRCh37 (hg19) VCF-style: chr22-21336650-G-A.
Identifiers: ClinVar variation 389662 (VCV000389662.13), dbSNP rs370616172, ClinGen allele CA10118259.

ClinVar aggregate classification (germline): Benign/Likely benign. Review status: criteria provided, multiple submitters, no conflicts (2 of 4 stars). 4 submissions from 4 submitters: Benign (1); Likely benign (3). Last evaluated 2024-11-11.

Allele frequency attached by ClinVar (database versions not stated): 1000 Genomes Project 0.00040; ExAC 0.00061; 1000 Genomes Project 30x 0.00062; gnomAD exomes 0.00091; gnomAD 0.00097 and 0.00098; TOPMed 0.00103; ESP Exome Variant Server 0.00158.
gnomAD v4.1: 2,072 of 1,546,152 alleles (0.13%); highest among the groups gnomAD compares: Non-Finnish European, 0.17%; 2 homozygotes.

Submissions (5):

Blueprint Genetics
Classification: Likely benign. Last evaluated: 2024-11-11. Review status: criteria provided, single submitter. Criteria: ACMG Guidelines, 2015. Collection method: clinical testing. Allele origin: germline.

ARUP Laboratories, Molecular Genetics and Genomics, ARUP Laboratories
Classification: Likely benign. Last evaluated: 2020-05-28. Review status: criteria provided, single submitter. Criteria: ARUP Molecular Germline Variant Investigation Process. Collection method: clinical testing. Allele origin: germline.

Women's Health and Genetics/Laboratory Corporation of America, LabCorp
Classification: Benign. Last evaluated: 2019-11-04. Review status: criteria provided, single submitter. Criteria: LabCorp Variant Classification Summary - May 2015. Collection method: clinical testing. Allele origin: germline.
Comment: Variant summary: LZTR1 c.-11G>A alters a non-conserved nucleotide located in the untranslated mRNA region upstream of the initiation codon. The variant allele was found at a frequency of 0.00091 in 146760 control chromosomes. The observed variant frequency is approximately 183 fold of the estimated maximal expected allele frequency for a pathogenic variant in LZTR1 causing Noonan Syndrome and Related Conditions phenotype (5e-06), strongly suggesting that the variant is benign. To our knowledge, no occurrence of c.-11G>A in individuals affected with Noonan Syndrome and Related Conditions and no experimental evidence demonstrating its impact on protein function have been reported. One clinical diagnostic laboratory has submitted clinical-significance assessments for this variant to ClinVar after 2014 without evidence for independent evaluation and classified the variant as likely benign. Based on the evidence outlined above, the variant was classified as benign.

GeneDx
Classification: Likely benign. Last evaluated: 2016-10-07. Review status: criteria provided, single submitter. Criteria: GeneDx Variant Classification (06012015). Collection method: clinical testing. Allele origin: germline. Affected: yes.
Comment: This variant is considered likely benign or benign based on one or more of the following criteria: it is a conservative change, it occurs at a poorly conserved position in the protein, it is predicted to be benign by multiple in silico algorithms, and/or has population frequency not consistent with disease.

Seelig Lab, University of Washington
No classification provided (evidence only). Review status: no classification provided. Collection method: in vitro. Allele origin: not applicable. Functional consequence: effect on translation. Not counted in ClinVar's aggregate classification.
ClinVar note: "not provided" was previously submitted as the classification for the variant. However, the classification appeared to be based only on an observation of functional data so it was converted to no classification on 2025-07-30.